The following is an entry in ClinVar:

NM_020822.3(KCNT1):c.2892C>T (p.Phe964=)

Gene: KCNT1 (potassium sodium-activated channel subfamily T member 1; plus strand). Cytogenetic location: 9q34.3.
Variant type: single nucleotide variant.
Coding change: c.2892C>T on transcript NM_020822.3 (MANE Select); coding-DNA position 2892, C replaced by T.
Protein change: p.Phe964=; no amino-acid change (phenylalanine 964 retained).
Molecular consequence: synonymous variant.
Genome position (GRCh38, 1-based): chr9:135,784,074, C>T. VCF-style: chr9-135784074-C-T. GRCh37 (hg19) VCF-style: chr9-138675920-C-T.
Other names: c.2757C>T, p.Phe919= (NM_001272003.2).
Identifiers: ClinVar variation 281619 (VCV000281619.45), dbSNP rs146904895, ClinGen allele CA5327497.

ClinVar aggregate classification (germline): Benign/Likely benign. Review status: criteria provided, multiple submitters, no conflicts (2 of 4 stars). 8 submissions from 7 submitters: Benign (4); Likely benign (4). Last evaluated 2026-01-28.

Conditions:
Inborn genetic diseases. Identifiers: MedGen C0950123, MeSH D030342.
Developmental and epileptic encephalopathy, 14 (DEE14). Also called: Early infantile epileptic encephalopathy 14. Identifiers: Orphanet 293181, MedGen C3554195, MONDO:0013989, OMIM 614959.
Autosomal dominant nocturnal frontal lobe epilepsy 5. Also called: KCNT1-Related Epilepsy; Epilepsy, nocturnal frontal lobe, 5; CILIARY DYSKINESIA, PRIMARY, 28, WITHOUT SITUS INVERSUS; CILIARY DYSKINESIA, PRIMARY, 28, WITH SITUS INVERSUS. Identifiers: Orphanet 98784, MedGen C3554306, MONDO:0014002, OMIM 615005.

Allele frequency attached by ClinVar (database versions not stated): gnomAD exomes 0.00011 and 0.00043; ExAC 0.00051; ESP Exome Variant Server 0.00138; gnomAD 0.00138 and 0.00143; TOPMed 0.00151; 1000 Genomes Project 0.00319; 1000 Genomes Project 30x 0.00344.
gnomAD v4.1: 372 of 1,605,962 alleles (0.023%); highest among the groups gnomAD compares: African/African-American, 0.42%; 2 homozygotes.

Submissions (8):

Labcorp Genetics (formerly Invitae), Labcorp
Classification: Benign for Autosomal dominant nocturnal frontal lobe epilepsy 5; Developmental and epileptic encephalopathy, 14. Last evaluated: 2026-01-28. Review status: criteria provided, single submitter. Criteria: Invitae Variant Classification Sherloc (09022015). Collection method: clinical testing. Allele origin: germline.

Blueprint Genetics
Classification: Likely benign. Last evaluated: 2024-07-02. Review status: criteria provided, single submitter. Criteria: ACMG Guidelines, 2015. Collection method: clinical testing. Allele origin: germline.

CeGaT Center for Human Genetics Tuebingen
Classification: Benign. Last evaluated: 2022-08-01. Review status: criteria provided, single submitter. Criteria: CeGaT Center For Human Genetics Tuebingen Variant Classification Criteria Version 2. Collection method: clinical testing. Allele origin: germline. Affected: yes. Observed: 1 variant allele.
Comment: KCNT1: BS1, BS2

Genome-Nilou Lab
Classification: Likely benign for Developmental and epileptic encephalopathy, 14. Last evaluated: 2022-03-15. Review status: criteria provided, single submitter. Criteria: ACMG Guidelines, 2015. Collection method: clinical testing. Allele origin: germline. Affected: no.

Genome-Nilou Lab
Classification: Likely benign for Autosomal dominant nocturnal frontal lobe epilepsy 5. Last evaluated: 2022-03-15. Review status: criteria provided, single submitter. Criteria: ACMG Guidelines, 2015. Collection method: clinical testing. Allele origin: germline. Affected: no.

Ambry Genetics
Classification: Likely benign for Inborn genetic diseases. Last evaluated: 2016-09-28. Review status: criteria provided, single submitter. Criteria: Ambry Variant Classification Scheme 2023. Collection method: clinical testing. Allele origin: germline.

GeneDx
Classification: Benign. Last evaluated: 2016-06-19. Review status: criteria provided, single submitter. Criteria: GeneDx Variant Classification (06012015). Collection method: clinical testing. Allele origin: germline. Affected: yes.
Comment: This variant is considered likely benign or benign based on one or more of the following criteria: it is a conservative change, it occurs at a poorly conserved position in the protein, it is predicted to be benign by multiple in silico algorithms, and/or has population frequency not consistent with disease.

Eurofins Ntd Llc (ga)
Classification: Benign. Last evaluated: 2015-06-30. Review status: criteria provided, single submitter. Criteria: EGL Classification Definitions 2015. Collection method: clinical testing. Allele origin: germline. Observed: 1 variant allele, 1 heterozygote.